The following is an entry in ClinVar:

ClinVar aggregate classification (germline): Benign/Likely benign. Review status: criteria provided, multiple submitters, no conflicts (2 of 4 stars). 3 submissions from 3 submitters: Benign (2); Likely benign (1). Last evaluated 2026-01-31.

Conditions:
Hereditary fructosuria. Also called: Fructose intolerance; ALDOB DEFICIENCY; ALDOLASE B DEFICIENCY; FRUCTOSE-1,6-BISPHOSPHATE ALDOLASE B DEFICIENCY; FRUCTOSE-1-PHOSPHATE ALDOLASE DEFICIENCY; FRUCTOSEMIA. Identifiers: Orphanet 469, MedGen C0016751, MONDO:0009249, OMIM 229600, HP:0005973. Disease mechanism: loss of function.

Allele frequency attached by ClinVar (database versions not stated): TOPMed 0.00174; ESP Exome Variant Server 0.00246; 1000 Genomes Project 0.00319; 1000 Genomes Project 30x 0.00344.
gnomAD v4.1: 1,472 of 1,614,094 alleles (0.091%); highest among the groups gnomAD compares: African/African-American, 0.65%; 4 homozygotes.

Submissions (3):

Labcorp Genetics (formerly Invitae), Labcorp
Classification: Benign for Hereditary fructosuria. Last evaluated: 2026-01-31. Review status: criteria provided, single submitter. Criteria: Invitae Variant Classification Sherloc (09022015). Collection method: clinical testing. Allele origin: germline.

Blueprint Genetics
Classification: Likely benign. Last evaluated: 2024-11-07. Review status: criteria provided, single submitter. Criteria: ACMG Guidelines, 2015. Collection method: clinical testing. Allele origin: germline.

CeGaT Center for Human Genetics Tuebingen
Classification: Benign. Last evaluated: 2022-06-01. Review status: criteria provided, single submitter. Criteria: CeGaT Center For Human Genetics Tuebingen Variant Classification Criteria Version 2. Collection method: clinical testing. Allele origin: germline. Affected: yes. Observed: 1 variant allele.
Comment: ALDOB: BS1, BS2

NM_000035.4(ALDOB):c.400C>A (p.Arg134Ser)

Gene: ALDOB (aldolase, fructose-bisphosphate B; minus strand). Cytogenetic location: 9q31.1.
Variant type: single nucleotide variant.
Coding change: c.400C>A on transcript NM_000035.4 (MANE Select); coding-DNA position 400, C replaced by A.
Protein change: p.Arg134Ser; replaces arginine 134 with serine.
Molecular consequence: missense variant.
Genome position (GRCh38, 1-based): chr9:101,427,622, G>T on the plus strand (C>A on the coding strand, the complement: ALDOB is on the minus strand). VCF-style: chr9-101427622-G-T. GRCh37 (hg19) VCF-style: chr9-104189904-G-T.
Other names: short protein forms R134S.
Identifiers: ClinVar variation 732136 (VCV000732136.35), dbSNP rs10123355, ClinGen allele CA5161613.
Genomic context (GRCh38, chr9:101,427,622, plus strand): 5'-TCCTCAGCACAGCACGCCACTTCCCAAAGTCAACACCATCTTTCTTGTACTGAGCACAGC[G>T]CTCTGAGAGGCCATCAAGCCCTGCAAGTCACAAAAGAGAGAAAGGCTTCTTTGTACCTTT-3'
Protein context (NP_000026.2, residues 124-144): TIQGLDGLSE[Arg134Ser]CAQYKKDGVD